The following is an entry in ClinVar:

NM_032444.4(SLX4):c.340G>A (p.Gly114Ser)

Gene: SLX4 (SLX4 structure-specific endonuclease subunit; minus strand). Cytogenetic location: 16p13.3.
Variant type: single nucleotide variant.
Coding change: c.340G>A on transcript NM_032444.4 (MANE Select); coding-DNA position 340, G replaced by A.
Protein change: p.Gly114Ser; replaces glycine 114 with serine.
Molecular consequence: missense variant.
Genome position (GRCh38, 1-based): chr16:3,608,625, C>T on the plus strand (G>A on the coding strand, the complement: SLX4 is on the minus strand). VCF-style: chr16-3608625-C-T. GRCh37 (hg19) VCF-style: chr16-3658626-C-T.
Other names: short protein forms G114S.
Identifiers: ClinVar variation 1315730 (VCV001315730.2), dbSNP rs764213293, ClinGen allele CA7866903.

ClinVar aggregate classification (germline): Uncertain significance (1 of 4 stars; one submission).

Allele frequency attached by ClinVar (database versions not stated): gnomAD exomes below 0.00001 and 0.00001; TOPMed below 0.00001; ExAC 0.00002.
gnomAD v4.1: 4 of 1,614,166 alleles (0.00025%); highest among the groups gnomAD compares: Non-Finnish European, 0.00034%; no homozygotes.

Submission:

GeneDx
Classification: Uncertain significance. Last evaluated: 2019-10-24. Review status: criteria provided, single submitter. Criteria: GeneDx Variant Classification Process June 2021. Collection method: clinical testing. Allele origin: germline. Affected: yes.
Comment: Not observed at a significant frequency in large population cohorts (Lek et al., 2016); In silico analysis, which includes protein predictors and evolutionary conservation, supports that this variant does not alter protein structure/function; Has not been previously published as pathogenic or benign to our knowledge